The following is an entry in ClinVar:

NM_012188.5(FOXI1):c.1112A>C (p.Tyr371Ser)

Gene: FOXI1 (forkhead box I1; plus strand). Cytogenetic location: 5q35.1.
Variant type: single nucleotide variant.
Coding change: c.1112A>C on transcript NM_012188.5 (MANE Select); coding-DNA position 1112, A replaced by C.
Protein change: p.Tyr371Ser; replaces tyrosine 371 with serine.
Molecular consequence: missense variant.
Genome position (GRCh38, 1-based): chr5:170,108,586, A>C. VCF-style: chr5-170108586-A-C. GRCh37 (hg19) VCF-style: chr5-169535590-A-C.
Other names: c.827A>C, p.Tyr276Ser (NM_144769.4); short protein forms Y276S, Y371S.
Identifiers: ClinVar variation 1466112 (VCV001466112.6), dbSNP rs771554898, ClinGen allele CA3555170.
Genomic context (GRCh38, chr5:170,108,586, plus strand): 5'-CTGTGCTCAGCCAATTCAGCCCTCACTTCTACAACAGTGTCAACACCAGTGGTGTCCTCT[A>C]CCCCAGGGAGGGCACCGAGGTCTAGGTACAGAACAGCTCCTGAGCCAGGTGGACATGCCA-3'
Protein context (NP_036320.2, residues 361-378): YNSVNTSGVL[Tyr371Ser]PREGTEV

ClinVar aggregate classification (germline): Uncertain significance (1 of 4 stars; one submission).

Allele frequency attached by ClinVar (database versions not stated): gnomAD exomes below 0.00001; TOPMed below 0.00001; ExAC 0.00001.
gnomAD v4.1: 1 of 1,613,014 alleles (0.000062%); highest among the groups gnomAD compares: Admixed American, 0.0017%; no homozygotes.

Submission:

Labcorp Genetics (formerly Invitae), Labcorp
Classification: Uncertain significance. Last evaluated: 2021-10-11. Review status: criteria provided, single submitter. Criteria: Invitae Variant Classification Sherloc (09022015). Collection method: clinical testing. Allele origin: germline.
Comment: This variant has not been reported in the literature in individuals affected with FOXI1-related conditions. This variant is present in population databases (rs771554898, ExAC 0.009%). This sequence change replaces tyrosine with serine at codon 371 of the FOXI1 protein (p.Tyr371Ser). The tyrosine residue is moderately conserved and there is a large physicochemical difference between tyrosine and serine. Algorithms developed to predict the effect of missense changes on protein structure and function (SIFT, PolyPhen-2, Align-GVGD) all suggest that this variant is likely to be disruptive. In summary, the available evidence is currently insufficient to determine the role of this variant in disease. Therefore, it has been classified as a Variant of Uncertain Significance.